The following is an entry in ClinVar:

ClinVar aggregate classification (germline): Uncertain significance. Review status: criteria provided, multiple submitters, no conflicts (2 of 4 stars). 2 submissions from 2 submitters: Uncertain significance (2). Last evaluated 2024-03-07.

Conditions:
Hereditary spherocytosis type 1. Also called: Spherocytosis type 1; ANK1-Related Spherocytosis. Identifiers: Orphanet 822, MedGen C2674218, MONDO:0008447, OMIM 182900.

gnomAD v4.1: 21 of 1,614,008 alleles (0.0013%); highest among the groups gnomAD compares: South Asian, 0.0099%; no homozygotes.

Submissions (2):

Mayo Clinic Laboratories, Mayo Clinic
Classification: Uncertain significance. Last evaluated: 2024-03-07. Review status: criteria provided, single submitter. Criteria: ACMG Guidelines, 2015. Collection method: clinical testing. Allele origin: germline. Observed: 1 variant allele.
Comment: PM2_moderate

Revvity Omics, Revvity
Classification: Uncertain significance for Hereditary spherocytosis type 1. Last evaluated: 2024-02-15. Review status: criteria provided, single submitter. Criteria: ACMG Guidelines, 2015. Collection method: clinical testing. Allele origin: germline.

NM_000037.4(ANK1):c.814G>A (p.Glu272Lys)

Gene: ANK1 (ankyrin 1; minus strand). Cytogenetic location: 8p11.21.
Variant type: single nucleotide variant.
Coding change: c.814G>A on transcript NM_000037.4 (MANE Select); coding-DNA position 814, G replaced by A.
Protein change: p.Glu272Lys; replaces glutamic acid 272 with lysine.
Molecular consequence: missense variant.
Genome position (GRCh38, 1-based): chr8:41,723,220, C>T on the plus strand (G>A on the coding strand, the complement: ANK1 is on the minus strand). VCF-style: chr8-41723220-C-T. GRCh37 (hg19) VCF-style: chr8-41580738-C-T.
Other names: p.Glu272Lys; c.913G>A, p.Glu305Lys (NM_001142446.2); c.814G>A, p.Glu272Lys (NM_020475.3, NM_020476.3, NM_020477.3); short protein forms E272K, E305K.
Identifiers: ClinVar variation 3379816 (VCV003379816.2).
Genomic context (GRCh38, chr8:41,723,220, plus strand): 5'-GCAGGATCTCTGAGATTCGCACGTGCCCATTTCGAGCTGCACAGTGGAGAGGTGTCAATT[C>T]GTCCTTTAAAAGACAGAGTCAAAAACAGAAAGCCCAAAAGGCAGCTATCAGAGGCCATTT-3'
Protein context (NP_000028.3, residues 262-282): GAQIETKTKD[Glu272Lys]LTPLHCAARN